The following is an entry in ClinVar:

ClinVar aggregate classification (germline): Likely benign. Review status: criteria provided, multiple submitters, no conflicts (2 of 4 stars). 3 submissions from 3 submitters: Likely benign (2). 1 of the submissions does not count toward it. Last evaluated 2024-05-26.

Conditions:
RET-related disorder. Also called: RET-related condition; RET-related disease; RET-related disorders.
Hereditary cancer-predisposing syndrome. Also called: Neoplastic Syndromes, Hereditary; Hereditary Cancer Syndrome; Tumor predisposition; Hereditary neoplastic syndrome. Identifiers: Orphanet 140162, MedGen C0027672, MeSH D009386, MONDO:0015356.
Multiple endocrine neoplasia, type 2 (MEN2). Identifiers: Orphanet 653, MedGen C4048306, MONDO:0019003. Disease mechanism: gain of function.

Submissions (3):

Labcorp Genetics (formerly Invitae), Labcorp
Classification: Likely benign for Multiple endocrine neoplasia, type 2. Last evaluated: 2024-05-26. Review status: criteria provided, single submitter. Criteria: Invitae Variant Classification Sherloc (09022015). Collection method: clinical testing. Allele origin: germline.

Ambry Genetics
Classification: Likely benign for Hereditary cancer-predisposing syndrome. Last evaluated: 2023-02-28. Review status: criteria provided, single submitter. Criteria: Ambry Variant Classification Scheme 2023. Collection method: clinical testing. Allele origin: germline.

PreventionGenetics, part of Exact Sciences
Classification: Likely benign for RET-related condition. Last evaluated: 2023-06-21. Review status: no assertion criteria provided. Collection method: clinical testing. Allele origin: germline. Not counted in ClinVar's aggregate classification.
Comment: This variant is classified as likely benign based on ACMG/AMP sequence variant interpretation guidelines (Richards et al. 2015 PMID: 25741868, with internal and published modifications).

NM_020975.6(RET):c.231C>T (p.Arg77=)

Gene: RET (ret proto-oncogene; plus strand). Cytogenetic location: 10q11.21.
Variant type: single nucleotide variant.
Coding change: c.231C>T on transcript NM_020975.6 (MANE Select); coding-DNA position 231, C replaced by T.
Protein change: p.Arg77=; no amino-acid change (arginine 77 retained).
Molecular consequence: synonymous variant. On other transcripts: intron variant (4).
Genome position (GRCh38, 1-based): chr10:43,100,616, C>T. VCF-style: chr10-43100616-C-T. GRCh37 (hg19) VCF-style: chr10-43596064-C-T.
Other names: c.231C>T, p.Arg77= (NM_000323.2, NM_001406743.1, NM_001406744.1 and 34 more transcripts); c.74-8415C>T (NM_001406784.1); c.74-11483C>T (NM_001406794.1, NM_001406792.1, NM_001406793.1).
Identifiers: ClinVar variation 706783 (VCV000706783.14), dbSNP rs3123654, ClinGen allele CA469490656.
Genomic context (GRCh38, chr10:43,100,616, plus strand): 5'-GGACGCCCCTGAGGAGGTGCCCAGCTTCCGCCTGGGCCAGCATCTCTACGGCACGTACCG[C>T]ACACGGCTGCATGAGAACAACTGGATCTGCATCCAGGAGGACACCGGCCTCCTCTACCTT-3'
Protein context (NP_066124.1, residues 67-87): RLGQHLYGTY[Arg77=]TRLHENNWIC